The following is an entry in ClinVar:

NM_002691.4(POLD1):c.2959dup

Gene: POLD1 (DNA polymerase delta 1, catalytic subunit; plus strand). Cytogenetic location: 19q13.33.
Variant type: Duplication.
Coding change: c.2959dup on transcript NM_002691.4 (MANE Select); coding-DNA position 2959, one base duplicated (G; older notation c.2959dupG).
Molecular consequence: splice acceptor variant.
Genome position (GRCh38, 1-based): chr19:50,416,615, G duplicated; the last of 7 consecutive G bases (chr19:50,416,609-50,416,615); duplicating any one gives the same sequence. VCF-style (leftmost placement, unchanged base first): chr19-50416608-A-AG. GRCh37 (hg19) VCF-style: chr19-50919865-A-AG.
Other names: c.2959dupG (NM_002691.3).
Identifiers: ClinVar variation 537052 (VCV000537052.22), dbSNP rs756872503, ClinGen allele CA9596713.

ClinVar aggregate classification (germline): Uncertain significance. Review status: criteria provided, multiple submitters, no conflicts (2 of 4 stars). 5 submissions from 5 submitters: Uncertain significance (5). Last evaluated 2026-01-13.

Conditions:
Hereditary cancer-predisposing syndrome. Also called: Tumor predisposition; Neoplastic Syndromes, Hereditary; Hereditary Cancer Syndrome; Hereditary neoplastic syndrome. Identifiers: Orphanet 140162, MedGen C0027672, MeSH D009386, MONDO:0015356.
Mandibular hypoplasia-deafness-progeroid syndrome. Also called: Mandibular hypoplasia, deafness, progeroid features, and lipodystrophy syndrome. Identifiers: Orphanet 363649, MedGen C3715192, MONDO:0014157, OMIM 615381.
POLD1-related polyposis and colorectal cancer syndrome (CRCS10). Also called: Colorectal cancer 10; COLORECTAL CANCER, SUSCEPTIBILITY TO, ON CHROMOSOME 19q; Colorectal cancer, susceptibility to, 10. Identifiers: Orphanet 220460, MedGen C2675481, MONDO:0012953, OMIM 612591.

Submissions (5):

Labcorp Genetics (formerly Invitae), Labcorp
Classification: Uncertain significance for POLD1-related polyposis and colorectal cancer syndrome. Last evaluated: 2026-01-13. Review status: criteria provided, single submitter. Criteria: Invitae Variant Classification Sherloc (09022015). Collection method: clinical testing. Allele origin: germline.
Comment: This sequence change creates a premature translational stop signal (p.Asp987Glyfs*41) in the POLD1 gene. Missense variants that disrupt the 3'-5' exonuclease (proof-reading) activity of the POLD1 protein are associated with PPAP (polymerase proofreading–associated polyposis) (PMID: 23263490, 23447401). However, loss-of-function variants that result in an absent or severely disrupted POLD1 protein, and missense variants outside the exonuclease domain, are unlikely to be associated with PPAP. The frequency data for this variant in the population databases is considered unreliable, as metrics indicate poor data quality at this position in the gnomAD database. This variant has not been reported in the literature in individuals affected with POLD1-related conditions. ClinVar contains an entry for this variant (Variation ID: 537052). Algorithms developed to predict the effect of sequence changes on RNA splicing suggest that this variant may disrupt the consensus splice site. In summary, the available evidence is currently insufficient to determine the role of this variant in disease. Therefore, it has been classified as a Variant of Uncertain Significance.

Ambry Genetics
Classification: Uncertain significance for Hereditary cancer-predisposing syndrome. Last evaluated: 2024-12-20. Review status: criteria provided, single submitter. Criteria: Ambry Variant Classification Scheme 2023. Collection method: clinical testing. Allele origin: germline.
Comment: The c.2959dupG variant, located in coding exon 23 of the POLD1 gene, results from a duplication of G at nucleotide position 2959, causing a translational frameshift with a predicted alternate stop codon (p.D987Gfs*41). This alteration is expected to result in protein truncation or nonsense-mediated mRNA decay. However, loss of function of POLD1 has not been established as a mechanism of disease. Based on the available evidence, the clinical significance of this alteration remains unclear.

GeneDx
Classification: Uncertain significance. Last evaluated: 2023-09-16. Review status: criteria provided, single submitter. Criteria: GeneDx Variant Classification Process June 2021. Collection method: clinical testing. Allele origin: germline. Affected: yes.
Comment: Frameshift variant predicted to result in protein truncation or nonsense mediated decay in a gene for which loss-of-function is not an established mechanism of disease; Not observed at significant frequency in large population cohorts (gnomAD); Has not been previously published as pathogenic or benign to our knowledge; This variant is associated with the following publications: (PMID: 23447401, 23263490)

Blueprint Genetics
Classification: Uncertain significance. Last evaluated: 2022-07-17. Review status: criteria provided, single submitter. Criteria: ACMG Guidelines, 2015. Collection method: clinical testing. Allele origin: germline.

Fulgent Genetics
Classification: Uncertain significance for POLD1-related polyposis and colorectal cancer syndrome; Mandibular hypoplasia-deafness-progeroid syndrome. Last evaluated: 2021-10-25. Review status: criteria provided, single submitter. Criteria: ACMG Guidelines, 2015. Collection method: clinical testing. Allele origin: unknown.

Literature cited by the submitters: PubMed 23263490 (cited by Labcorp Genetics (formerly Invitae), Labcorp); PubMed 23447401 (cited by Labcorp Genetics (formerly Invitae), Labcorp).